The following is an entry in ClinVar:

ClinVar aggregate classification (germline): Uncertain significance (1 of 4 stars; one submission).

Conditions:
Dilated cardiomyopathy 1JJ (CMD1JJ). Identifiers: Orphanet 154, MedGen C3808935, MONDO:0014095, OMIM 615235.

Submission:

Labcorp Genetics (formerly Invitae), Labcorp
Classification: Uncertain significance for Dilated cardiomyopathy 1JJ. Last evaluated: 2025-10-15. Review status: criteria provided, single submitter. Criteria: Invitae Variant Classification Sherloc (09022015). Collection method: clinical testing. Allele origin: germline.
Comment: This sequence change creates a premature translational stop signal (p.Ala674Glyfs*6) in the LAMA4 gene. It is expected to result in an absent or disrupted protein product. However, the current clinical and genetic evidence is not sufficient to establish whether loss-of-function variants in LAMA4 cause disease. This variant is present in population databases (no rsID available, gnomAD 0.0009%). This variant has not been reported in the literature in individuals affected with LAMA4-related conditions. In summary, the available evidence is currently insufficient to determine the role of this variant in disease. Therefore, it has been classified as a Variant of Uncertain Significance.

NM_001105206.3(LAMA4):c.2041dup (p.Ala681fs)

Gene: LAMA4 (laminin subunit alpha 4; minus strand). Cytogenetic location: 6q21.
Variant type: Duplication.
Coding change: c.2041dup on transcript NM_001105206.3 (MANE Select); coding-DNA position 2041, one base duplicated (G; older notation c.2041dupG).
Protein change: p.Ala681fs; shifts the reading frame from alanine 681.
Molecular consequence: frameshift variant.
Genome position (GRCh38, 1-based): chr6:112,154,866, C duplicated on the plus strand (G on the coding strand, the reverse complement: LAMA4 is on the minus strand). VCF-style (leftmost placement, unchanged base first): chr6-112154865-G-GC. GRCh37 (hg19) VCF-style: chr6-112476067-G-GC.
Other names: c.2020dup, p.Ala674fs (NM_001105207.3, NM_002290.5); short protein forms A674fs, A681fs.
Identifiers: ClinVar variation 4692975 (VCV004692975.1).